The following is an entry in ClinVar:

ClinVar aggregate classification (germline): Likely benign (1 of 4 stars; one submission).

Allele frequency attached by ClinVar (database versions not stated): TOPMed below 0.00001.
gnomAD v4.1: 12 of 1,613,050 alleles (0.00074%); highest among the groups gnomAD compares: Non-Finnish European, 0.00093%; no homozygotes.

Submission:

CeGaT Center for Human Genetics Tuebingen
Classification: Likely benign. Last evaluated: 2023-05-01. Review status: criteria provided, single submitter. Criteria: CeGaT Center For Human Genetics Tuebingen Variant Classification Criteria Version 2. Collection method: clinical testing. Allele origin: germline. Affected: yes. Observed: 1 variant allele.
Comment: ASPM: BP4, BP7

NM_018136.5(ASPM):c.5160A>G (p.Gln1720=)

Gene: ASPM (assembly factor for spindle microtubules; minus strand). Cytogenetic location: 1q31.3.
Variant type: single nucleotide variant.
Coding change: c.5160A>G on transcript NM_018136.5 (MANE Select); coding-DNA position 5160, A replaced by G.
Protein change: p.Gln1720=; no amino-acid change (glutamine 1720 retained).
Molecular consequence: synonymous variant. On other transcripts: intron variant (1).
Genome position (GRCh38, 1-based): chr1:197,104,091, T>C on the plus strand (A>G on the coding strand, the complement: ASPM is on the minus strand). VCF-style: chr1-197104091-T-C. GRCh37 (hg19) VCF-style: chr1-197073221-T-C.
Other names: c.4066-7927A>G (NM_001206846.2).
Identifiers: ClinVar variation 2639703 (VCV002639703.24), dbSNP rs765124952, ClinGen allele CA1309803.